The following is an entry in ClinVar:

NM_000482.4(APOA4):c.820G>A (p.Val274Met)

Gene: APOA4 (apolipoprotein A4; minus strand). Cytogenetic location: 11q23.3.
Variant type: single nucleotide variant.
Coding change: c.820G>A on transcript NM_000482.4 (MANE Select); coding-DNA position 820, G replaced by A.
Protein change: p.Val274Met; replaces valine 274 with methionine.
Molecular consequence: missense variant.
Genome position (GRCh38, 1-based): chr11:116,821,238, C>T on the plus strand (G>A on the coding strand, the complement: APOA4 is on the minus strand). VCF-style: chr11-116821238-C-T. GRCh37 (hg19) VCF-style: chr11-116691954-C-T.
Other names: c.820G>A (NM_000482.3); short protein forms V274M.
Identifiers: ClinVar variation 1442461 (VCV001442461.10), dbSNP rs184083285, ClinGen allele CA6289302.

ClinVar aggregate classification (germline): Conflicting classifications of pathogenicity. Review status: criteria provided, conflicting classifications (1 of 4 stars). 3 submissions from 3 submitters: Uncertain significance (1); Likely benign (2). Last evaluated 2026-09-01.

Allele frequency attached by ClinVar (database versions not stated): ESP Exome Variant Server 0.00008; gnomAD 0.00008 and 0.00010; gnomAD exomes 0.00010; TOPMed 0.00011; 1000 Genomes Project 30x 0.00016; ExAC 0.00016; 1000 Genomes Project 0.00020.

Submissions (3):

CeGaT Center for Human Genetics Tuebingen
Classification: Likely benign. Last evaluated: 2026-09-01. Review status: criteria provided, single submitter. Criteria: CeGaT Center For Human Genetics Tuebingen Variant Classification Criteria Version 2. Collection method: clinical testing. Allele origin: germline. Affected: yes. Observed: 1 variant allele.
Comment: APOA4: BP4

Labcorp Genetics (formerly Invitae), Labcorp
Classification: Uncertain significance. Last evaluated: 2026-01-27. Review status: criteria provided, single submitter. Criteria: Invitae Variant Classification Sherloc (09022015). Collection method: clinical testing. Allele origin: germline.
Comment: This sequence change replaces valine, which is neutral and non-polar, with methionine, which is neutral and non-polar, at codon 274 of the APOA4 protein (p.Val274Met). This variant is present in population databases (rs184083285, gnomAD 0.02%). This missense change has been observed in individual(s) with clinical features of APOA4-related conditions (PMID: 36325899). ClinVar contains an entry for this variant (Variation ID: 1442461). An algorithm developed to predict the effect of missense changes on protein structure and function outputs the following: PolyPhen-2: "Benign". The methionine amino acid residue is found in multiple mammalian species, which suggests that this missense change does not adversely affect protein function. In summary, the available evidence is currently insufficient to determine the role of this variant in disease. Therefore, it has been classified as a Variant of Uncertain Significance.

Ambry Genetics
Classification: Likely benign. Last evaluated: 2021-06-11. Review status: criteria provided, single submitter. Criteria: Ambry Variant Classification Scheme 2023. Collection method: clinical testing. Allele origin: germline.

Literature cited by the submitters: PubMed 36325899 (cited by Labcorp Genetics (formerly Invitae), Labcorp).